The following is an entry in ClinVar:

NM_201384.3(PLEC):c.1976C>T (p.Ser659Leu)

Gene: PLEC (plectin; minus strand). Cytogenetic location: 8q24.3.
Variant type: single nucleotide variant.
Coding change: c.1976C>T on transcript NM_201384.3 (MANE Select); coding-DNA position 1976, C replaced by T.
Protein change: p.Ser659Leu; replaces serine 659 with leucine.
Molecular consequence: missense variant.
Genome position (GRCh38, 1-based): chr8:143,932,401, G>A on the plus strand (C>T on the coding strand, the complement: PLEC is on the minus strand). VCF-style: chr8-143932401-G-A. GRCh37 (hg19) VCF-style: chr8-145006569-G-A.
Other names: c.2057C>T, p.Ser686Leu (NM_000445.5, NM_001410941.1); c.1934C>T, p.Ser645Leu (NM_201378.4); c.1910C>T, p.Ser637Leu (NM_201379.3); c.2387C>T, p.Ser796Leu (NM_201380.4); c.1880C>T, p.Ser627Leu (NM_201381.3); c.1976C>T, p.Ser659Leu (NM_201382.4); c.1988C>T, p.Ser663Leu (NM_201383.3); c.2057C>T (NM_000445.4); short protein forms S659L, S663L, S796L, S627L, S645L, S637L, S686L.
Identifiers: ClinVar variation 1917498 (VCV001917498.6), dbSNP rs554624228, ClinGen allele CA4927769.

ClinVar aggregate classification (germline): Uncertain significance. Review status: criteria provided, multiple submitters, no conflicts (2 of 4 stars). 2 submissions from 2 submitters: Uncertain significance (2). Last evaluated 2025-10-02.

Conditions:
PLEC-related disorder. Also called: PLEC-related condition; PLEC-related disorders.
Epidermolysis bullosa simplex 5C, with pyloric atresia (EBS5C). Also called: PLEC-Related Epidermolysis Bullosa with Pyloric Atresia; Epidermolysis bullosa simplex with pyloric atresia; PLEC1-Related Epidermolysis Bullosa with Pyloric Atresia. Identifiers: Orphanet 158684, MedGen C2677349, MONDO:0012807, OMIM 612138.
Autosomal recessive limb-girdle muscular dystrophy type 2Q (LGMDR17). Also called: MUSCULAR DYSTROPHY, LIMB-GIRDLE, AUTOSOMAL RECESSIVE 17. Identifiers: Orphanet 254361, MedGen C3150989, MONDO:0013390, OMIM 613723.
Epidermolysis bullosa simplex with nail dystrophy (EBS5D). Identifiers: MedGen C4225309, MONDO:0014661, OMIM 616487.
Epidermolysis bullosa simplex, Ogna type (EBS5A). Also called: Pidermolysis bullosa simplex 5A, Ogna type; EPIDERMOLYSIS BULLOSA SIMPLEX 5A, OGNA TYPE. Identifiers: Orphanet 79401, MedGen C0432317, MONDO:0007555, OMIM 131950.
Epidermolysis bullosa simplex 5B, with muscular dystrophy (EBS5B). Also called: EPIDERMOLYSIS BULLOSA SIMPLEX AND LIMB-GIRDLE MUSCULAR DYSTROPHY; Epidermolysis bullosa simplex with muscular dystrophy. Identifiers: Orphanet 257, MedGen C2931072, MONDO:0009181, OMIM 226670.

Allele frequency attached by ClinVar (database versions not stated): gnomAD exomes below 0.00001; ExAC 0.00001; gnomAD 0.00001; TOPMed 0.00001; 1000 Genomes Project 30x 0.00016; 1000 Genomes Project 0.00020.

Submissions (2):

Labcorp Genetics (formerly Invitae), Labcorp
Classification: Uncertain significance for Autosomal recessive limb-girdle muscular dystrophy type 2Q; Epidermolysis bullosa simplex, Ogna type; Epidermolysis bullosa simplex with nail dystrophy; Epidermolysis bullosa simplex 5C, with pyloric atresia; Epidermolysis bullosa simplex 5B, with muscular dystrophy. Last evaluated: 2025-10-02. Review status: criteria provided, single submitter. Criteria: Invitae Variant Classification Sherloc (09022015). Collection method: clinical testing. Allele origin: germline.
Comment: This sequence change replaces serine, which is neutral and polar, with leucine, which is neutral and non-polar, at codon 686 of the PLEC protein (p.Ser686Leu). This variant is present in population databases (rs554624228, gnomAD 0.005%). This variant has not been reported in the literature in individuals affected with PLEC-related conditions. ClinVar contains an entry for this variant (Variation ID: 1917498). Experimental studies and prediction algorithms are not available or were not evaluated, and the functional significance of this variant is currently unknown. In summary, the available evidence is currently insufficient to determine the role of this variant in disease. Therefore, it has been classified as a Variant of Uncertain Significance.

PreventionGenetics, part of Exact Sciences
Classification: Uncertain significance for PLEC-related condition. Last evaluated: 2025-07-24. Review status: criteria provided, single submitter. Criteria: ACMG Guidelines, 2015. Collection method: clinical testing. Allele origin: germline.
Comment: The PLEC c.2057C>T variant is predicted to result in the amino acid substitution p.Ser686Leu. To our knowledge, this variant has not been reported in the literature. This variant is reported in 0.0051% of alleles in individuals of East Asian descent in gnomAD. At this time, the clinical significance of this variant is uncertain due to the absence of conclusive functional and genetic evidence.